The following is an entry in ClinVar:

ClinVar aggregate classification (germline): Uncertain significance. Review status: criteria provided, multiple submitters, no conflicts (2 of 4 stars). 2 submissions from 2 submitters: Uncertain significance (2). Last evaluated 2024-02-17.

Allele frequency attached by ClinVar (database versions not stated): gnomAD 0.00001.
gnomAD v4.1: 5 of 1,613,982 alleles (0.00031%); highest among the groups gnomAD compares: East Asian, 0.0022%; no homozygotes.

Submissions (2):

Ambry Genetics
Classification: Uncertain significance. Last evaluated: 2024-02-17. Review status: criteria provided, single submitter. Criteria: Ambry Variant Classification Scheme 2023. Collection method: clinical testing. Allele origin: germline.

Labcorp Genetics (formerly Invitae), Labcorp
Classification: Uncertain significance. Last evaluated: 2022-07-19. Review status: criteria provided, single submitter. Criteria: Invitae Variant Classification Sherloc (09022015). Collection method: clinical testing. Allele origin: germline.
Comment: In summary, the available evidence is currently insufficient to determine the role of this variant in disease. Therefore, it has been classified as a Variant of Uncertain Significance. Algorithms developed to predict the effect of missense changes on protein structure and function output the following: SIFT: "Deleterious"; PolyPhen-2: "Benign"; Align-GVGD: "Class C0". The isoleucine amino acid residue is found in multiple mammalian species, which suggests that this missense change does not adversely affect protein function. ClinVar contains an entry for this variant (Variation ID: 1519542). This variant has not been reported in the literature in individuals affected with CCDC88A-related conditions. This sequence change replaces threonine, which is neutral and polar, with isoleucine, which is neutral and non-polar, at codon 1773 of the CCDC88A protein (p.Thr1773Ile). This variant is not present in population databases (gnomAD no frequency).

NM_001365480.1(CCDC88A):c.5321C>T (p.Thr1774Ile)

Gene: CCDC88A (coiled-coil domain containing 88A; minus strand). Cytogenetic location: 2p16.1.
Variant type: single nucleotide variant.
Coding change: c.5321C>T on transcript NM_001365480.1 (MANE Select); coding-DNA position 5321, C replaced by T.
Protein change: p.Thr1774Ile; replaces threonine 1774 with isoleucine.
Molecular consequence: missense variant. On other transcripts: intron variant (1).
Genome position (GRCh38, 1-based): chr2:55,295,827, G>A on the plus strand (C>T on the coding strand, the complement: CCDC88A is on the minus strand). VCF-style: chr2-55295827-G-A. GRCh37 (hg19) VCF-style: chr2-55522963-G-A.
Other names: c.5318C>T, p.Thr1773Ile (NM_001135597.2); c.5237C>T, p.Thr1746Ile (NM_018084.5); c.5196-100C>T (NM_001254943.2); c.5318C>T (NM_001135597.1); short protein forms T1746I, T1774I, T1773I.
Identifiers: ClinVar variation 1519542 (VCV001519542.5), dbSNP rs1004634315, ClinGen allele CA47619250.